The following is an entry in ClinVar:

ClinVar aggregate classification (germline): Uncertain significance (1 of 4 stars; one submission).

Conditions:
Hereditary cancer-predisposing syndrome. Also called: Tumor predisposition; Neoplastic Syndromes, Hereditary; Hereditary neoplastic syndrome; Hereditary Cancer Syndrome. Identifiers: Orphanet 140162, MedGen C0027672, MeSH D009386, MONDO:0015356.

Submission:

Ambry Genetics
Classification: Uncertain significance for Hereditary cancer-predisposing syndrome. Last evaluated: 2024-11-09. Review status: criteria provided, single submitter. Criteria: Ambry Variant Classification Scheme 2023. Collection method: clinical testing. Allele origin: germline.
Comment: The p.N319I variant (also known as c.956A>T), located in coding exon 4 of the BARD1 gene, results from an A to T substitution at nucleotide position 956. The asparagine at codon 319 is replaced by isoleucine, an amino acid with dissimilar properties. This amino acid position is conserved. In addition, this alteration is predicted to be tolerated by in silico analysis. Based on the available evidence, the clinical significance of this variant remains unclear.

NM_000465.4(BARD1):c.956A>T (p.Asn319Ile)

Gene: BARD1 (BRCA1 associated RING domain 1; minus strand). Cytogenetic location: 2q35.
Variant type: single nucleotide variant.
Coding change: c.956A>T on transcript NM_000465.4 (MANE Select); coding-DNA position 956, A replaced by T.
Protein change: p.Asn319Ile; replaces asparagine 319 with isoleucine.
Molecular consequence: missense variant. On other transcripts: non-coding transcript variant (2), intron variant (3).
Genome position (GRCh38, 1-based): chr2:214,780,918, T>A on the plus strand (A>T on the coding strand, the complement: BARD1 is on the minus strand). VCF-style: chr2-214780918-T-A. GRCh37 (hg19) VCF-style: chr2-215645642-T-A.
Other names: c.899A>T, p.Asn300Ile (NM_001282543.2); c.159-28363A>T (NM_001282548.2); c.215+16143A>T (NM_001282545.2); c.364+11379A>T (NM_001282549.2); short protein forms N300I, N319I.
Identifiers: ClinVar variation 3479449 (VCV003479449.1).